The following is an entry in ClinVar:

ClinVar aggregate classification (germline): Uncertain significance (1 of 4 stars; one submission).

Conditions:
Charcot-Marie-Tooth disease recessive intermediate C. Also called: CHARCOT-MARIE-TOOTH NEUROPATHY, RECESSIVE INTERMEDIATE C. Identifiers: Orphanet 369867, MedGen C3809309, MONDO:0014154, OMIM 615376.
Neuronopathy, distal hereditary motor, autosomal recessive 4. Also called: Autosomal recessive lower motor neuron disease with childhood onset; NEUROPATHY, DISTAL HEREDITARY MOTOR, AUTOSOMAL RECESSIVE 4. Identifiers: Orphanet 206580, MedGen C1970211, MONDO:0012608, OMIM 611067.

Submission:

Labcorp Genetics (formerly Invitae), Labcorp
Classification: Uncertain significance for Neuronopathy, distal hereditary motor, autosomal recessive 4; Charcot-Marie-Tooth disease recessive intermediate C. Last evaluated: 2021-07-22. Review status: criteria provided, single submitter. Criteria: Invitae Variant Classification Sherloc (09022015). Collection method: clinical testing. Allele origin: germline.
Comment: In summary, the available evidence is currently insufficient to determine the role of this variant in disease. Therefore, it has been classified as a Variant of Uncertain Significance. Algorithms developed to predict the effect of missense changes on protein structure and function are either unavailable or do not agree on the potential impact of this missense change (SIFT: "Deleterious"; PolyPhen-2: "Probably Damaging"; Align-GVGD: "Class C0"). This variant has been observed in individual(s) with Charcot-Marie-Tooth disease (Invitae). This variant is not present in population databases (ExAC no frequency). This sequence change replaces aspartic acid with asparagine at codon 479 of the PLEKHG5 protein (p.Asp479Asn). The aspartic acid residue is highly conserved and there is a small physicochemical difference between aspartic acid and asparagine.

NM_020631.6(PLEKHG5):c.1435G>A (p.Asp479Asn)

Gene: PLEKHG5 (pleckstrin homology and RhoGEF domain containing G5; minus strand). Cytogenetic location: 1p36.31.
Variant type: single nucleotide variant.
Coding change: c.1435G>A on transcript NM_020631.6 (MANE Select); coding-DNA position 1435, G replaced by A.
Protein change: p.Asp479Asn; replaces aspartic acid 479 with asparagine.
Molecular consequence: missense variant.
Genome position (GRCh38, 1-based): chr1:6,470,842, C>T on the plus strand (G>A on the coding strand, the complement: PLEKHG5 is on the minus strand). VCF-style: chr1-6470842-C-T. GRCh37 (hg19) VCF-style: chr1-6530902-C-T.
Other names: c.1546G>A, p.Asp516Asn (NM_001042663.3, NM_001265592.2); c.1435G>A, p.Asp479Asn (NM_001042664.2, NM_001042665.2, NM_001265594.3 and 1 more transcripts); c.1642G>A, p.Asp548Asn (NM_001265593.2); short protein forms D479N, D548N, D516N.
Identifiers: ClinVar variation 1369294 (VCV001369294.8), dbSNP rs2148582918, ClinGen allele CA338126958.